The following is an entry in ClinVar:

NM_001267550.2(TTN):c.107678G>A (p.Arg35893Lys)

Genes: TTN (titin; minus strand), TTN-AS1 (TTN antisense RNA 1; plus strand). Cytogenetic location: 2q31.2.
Variant type: single nucleotide variant.
Coding change: c.107678G>A on transcript NM_001267550.2 (MANE Select); coding-DNA position 107678, G replaced by A.
Protein change: p.Arg35893Lys; replaces arginine 35893 with lysine.
Molecular consequence: missense variant.
Genome position (GRCh38, 1-based): chr2:178,527,448, C>T on the plus strand (G>A on the coding strand, the complement: TTN is on the minus strand). VCF-style: chr2-178527448-C-T. GRCh37 (hg19) VCF-style: chr2-179392175-C-T.
Other names: c.102755G>A, p.Arg34252Lys (NM_001256850.1); c.80483G>A, p.Arg26828Lys (NM_003319.4); c.99974G>A, p.Arg33325Lys (NM_133378.4); c.80858G>A, p.Arg26953Lys (NM_133432.3); c.81059G>A, p.Arg27020Lys (NM_133437.4); short protein forms R26828K, R26953K, R33325K, R27020K, R34252K, R35893K.
Identifiers: ClinVar variation 4786266 (VCV004786266.1).

ClinVar aggregate classification (germline): Uncertain significance (1 of 4 stars; one submission).

Conditions:
Autosomal recessive limb-girdle muscular dystrophy type 2J (LGMDR10). Also called: Limb-girdle muscular dystrophy, type 2J; MUSCULAR DYSTROPHY, LIMB-GIRDLE, AUTOSOMAL RECESSIVE 10. Identifiers: Orphanet 140922, MedGen C1837342, MONDO:0012127, OMIM 608807.
Dilated cardiomyopathy 1G (CMD1G). Identifiers: Orphanet 154, MedGen C1858763, MONDO:0011400, OMIM 604145.

Submission:

Labcorp Genetics (formerly Invitae), Labcorp
Classification: Uncertain significance for Dilated cardiomyopathy 1G; Autosomal recessive limb-girdle muscular dystrophy type 2J. Last evaluated: 2025-09-30. Review status: criteria provided, single submitter. Criteria: Invitae Variant Classification Sherloc (09022015). Collection method: clinical testing. Allele origin: germline.
Comment: This sequence change replaces arginine, which is basic and polar, with lysine, which is basic and polar, at codon 35893 of the TTN protein (p.Arg35893Lys). This variant is not present in population databases (gnomAD no frequency). This variant has not been reported in the literature in individuals affected with TTN-related conditions. Experimental studies and prediction algorithms are not available or were not evaluated, and the functional significance of this variant is currently unknown. This variant is located in the M band of TTN (PMID: 25589632). Non-truncating variants in this region may be relevant for neuromuscular disorders, but have not been definitively shown to cause cardiomyopathy (PMID: 23975875). In summary, the available evidence is currently insufficient to determine the role of this variant in disease. Therefore, it has been classified as a Variant of Uncertain Significance.

Literature cited by the submitters: PubMed 25589632; PubMed 23975875.